The following is an entry in ClinVar:

NM_000260.4(MYO7A):c.1200G>T (p.Lys400Asn)

Gene: MYO7A (myosin VIIA; plus strand). Cytogenetic location: 11q13.5.
Variant type: single nucleotide variant.
Coding change: c.1200G>T on transcript NM_000260.4 (MANE Select); coding-DNA position 1200, G replaced by T.
Protein change: p.Lys400Asn; replaces lysine 400 with asparagine.
Molecular consequence: missense variant.
Genome position (GRCh38, 1-based): chr11:77,160,282, G>T. VCF-style: chr11-77160282-G-T. GRCh37 (hg19) VCF-style: chr11-76871328-G-T.
Other names: c.1200G>T, p.Lys400Asn (NM_001127180.2); c.1167G>T, p.Lys389Asn (NM_001369365.1); short protein forms K389N, K400N.
Identifiers: ClinVar variation 3776262 (VCV003776262.2).
Genomic context (GRCh38, chr11:77,160,282, plus strand): 5'-GACGGTGTCCACCCCACTGAGCAGGGAACAGGCACTGGACGTGCGCGACGCCTTCGTAAA[G>T]GTGGGCTGGAGGGAAGGGGCCGCTTGCTCGCCCTACCCCTTGGGAAGTTGGGCTCTTGAT-3'
Protein context (NP_000251.3, residues 390-410): QALDVRDAFV[Lys400Asn]GIYGRLFVWI

ClinVar aggregate classification (germline): Likely pathogenic (1 of 4 stars; one submission).

Conditions:
Usher syndrome type 1 (USH1). Also called: RETINITIS PIGMENTOSA AND CONGENITAL DEAFNESS. Identifiers: Orphanet 231169, Orphanet 886, MedGen C1568247, MONDO:0010168, OMIM 276900.

gnomAD v4.1: 1 of 1,558,376 alleles (0.000064%); highest among the groups gnomAD compares: East Asian, 0.0024%; no homozygotes.

Submission:

3billion
Classification: Likely pathogenic for Usher syndrome type 1. Last evaluated: 2024-06-17. Review status: criteria provided, single submitter. Criteria: ACMG Guidelines, 2015. Collection method: clinical testing. Allele origin: germline. Affected: yes.
Comment: The variant is observed at an extremely low frequency in the gnomAD v4.0.0 dataset (total allele frequency: <0.001%). Predicted Consequence/Location: The majority of the known disease-causing variants of this gene are variants expected to result in premature termination of the protein. In silico tool predictions suggest damaging effect of the variant on gene or gene product [REVEL: 0.82 (>=0.6, sensitivity 0.68 and specificity 0.92); 3Cnet: 0.97 (>=0.6, sensitivity 0.72 and precision 0.9)]. The same nucleotide change resulting in the same amino acid change has been previously reported as pathogenic/likely pathogenic with strong evidence (PMID: 21436283, 30337596 /3billion dataset). Therefore, this variant is classified as Likely pathogenic according to the recommendation of ACMG/AMP guideline.

Literature cited by the submitters: PubMed 21436283.